The following is an entry in ClinVar:

ClinVar aggregate classification (germline): Pathogenic/Likely pathogenic. Review status: criteria provided, multiple submitters, no conflicts (2 of 4 stars). 3 submissions from 3 submitters: Pathogenic (1); Likely pathogenic (2). Last evaluated 2026-06-09.

Conditions:
Snijders blok-fisher syndrome. Identifiers: Orphanet 656135, MedGen C5231424, MONDO:0032830, OMIM 618604.

Submissions (3):

Institute of Human Genetics, University of Leipzig Medical Center
Classification: Likely pathogenic for Snijders blok-fisher syndrome. Last evaluated: 2026-06-09. Review status: criteria provided, single submitter. Criteria: ACMG Guidelines, 2015. Collection method: clinical testing. Allele origin: de novo. Inheritance: Autosomal dominant inheritance. Affected: yes.
Comment: Criteria applied: BP4,PM2,PS2,PS4_MOD

GeneDx
Classification: Pathogenic. Last evaluated: 2026-01-12. Review status: criteria provided, single submitter. Criteria: GeneDx Variant Classification Process June 2021. Collection method: clinical testing. Allele origin: germline. Affected: yes.
Comment: Not observed at significant frequency in large population cohorts (gnomAD); In silico analysis supports that this missense variant has a deleterious effect on protein structure/function; Has not been previously published as pathogenic or benign to our knowledge

Victorian Clinical Genetics Services, Murdoch Childrens Research Institute
Classification: Likely pathogenic for Snijders blok-fisher syndrome. Last evaluated: 2025-10-25. Review status: criteria provided, single submitter. Criteria: ACMG Guidelines, 2015. Collection method: clinical testing. Allele origin: germline. Affected: yes.
Comment: This variant is classified as Likely pathogenic. Evidence in support of pathogenic classification: Variant is absent from gnomAD (v2, v3 and v4); This variant has limited previous evidence of pathogenicity in unrelated individuals. This variant has been classified as a VUS by a clinical laboratory in ClinVar who observed it in two individuals with POU3F3-related features. In one individual the variant was de novo, in the other it was inherited from a possibly mosaic parent (personal communication); Additional information: Variant is predicted to result in a missense amino acid change from Pro to Leu; This variant is heterozygous; This gene is associated with autosomal dominant disease; Alternative amino acid change(s) at the same position are present in gnomAD (Highest allele count: v4: 1 heterozygote(s), 0 homozygote(s)) ; No published evidence of segregation with disease has been identified for this variant; No published functional evidence has been identified for this variant; No comparable missense variants have previous evidence for pathogenicity; Variant is not located in an established domain, motif, hotspot or informative constraint region; Missense variant with inconclusive in silico prediction and uninformative conservation; Loss of function is a known mechanism of disease in this gene and is associated with Snijders Blok-Fisher syndrome (MIM#618604).

NM_006236.3(POU3F3):c.620C>T (p.Pro207Leu)

Gene: POU3F3 (POU class 3 homeobox 3; plus strand). Cytogenetic location: 2q12.1.
Variant type: single nucleotide variant.
Coding change: c.620C>T on transcript NM_006236.3 (MANE Select); coding-DNA position 620, C replaced by T.
Protein change: p.Pro207Leu; replaces proline 207 with leucine.
Molecular consequence: missense variant.
Genome position (GRCh38, 1-based): chr2:104,856,130, C>T. VCF-style: chr2-104856130-C-T. GRCh37 (hg19) VCF-style: chr2-105472588-C-T.
Other names: short protein forms P207L.
Identifiers: ClinVar variation 1675234 (VCV001675234.6), dbSNP rs2104340466, ClinGen allele CA348097135.